The following is an entry in ClinVar:

NM_004991.4(MECOM):c.824T>C (p.Leu275Ser)

Gene: MECOM (MDS1 and EVI1 complex locus; minus strand). Cytogenetic location: 3q26.2.
Variant type: single nucleotide variant.
Coding change: c.824T>C on transcript NM_004991.4 (MANE Select); coding-DNA position 824, T replaced by C.
Protein change: p.Leu275Ser; replaces leucine 275 with serine.
Molecular consequence: missense variant.
Genome position (GRCh38, 1-based): chr3:169,127,850, A>G on the plus strand (T>C on the coding strand, the complement: MECOM is on the minus strand). VCF-style: chr3-169127850-A-G. GRCh37 (hg19) VCF-style: chr3-168845638-A-G.
Other names: c.260T>C, p.Leu87Ser (NM_001366469.2, NM_001366470.2, NM_001366471.2 and 9 more transcripts); c.824T>C, p.Leu275Ser (NM_001366473.2, NM_001366466.2); c.452T>C, p.Leu151Ser (NM_001105077.4); short protein forms L87S, L151S, L275S.
Identifiers: ClinVar variation 4105767 (VCV004105767.1).
Genomic context (GRCh38, chr3:169,127,850, plus strand): 5'-ATAACATTGCAGAAAAAATACACAAGTTGTATGGTACAACATGCCATTTCTAACCTTTGC[A>G]AATCAGGAAAAACTTGGTCACATTCCTTACACTCCTGGATCGTGTGTATCTCTTGGAGAT-3'
Protein context (NP_004982.2, residues 265-285): CKECDQVFPD[Leu275Ser]QSLEKHMLSH

ClinVar aggregate classification (germline): Uncertain significance (1 of 4 stars; one submission).

Conditions:
Inborn genetic diseases. Identifiers: MedGen C0950123, MeSH D030342.

gnomAD v4.1: 1 of 1,613,590 alleles (0.000062%); highest among the groups gnomAD compares: South Asian, 0.0011%; no homozygotes.

Submission:

Ambry Genetics
Classification: Uncertain significance for Inborn genetic diseases. Last evaluated: 2025-07-13. Review status: criteria provided, single submitter. Criteria: Ambry Variant Classification Scheme 2023. Collection method: clinical testing. Allele origin: germline.
Comment: The p.L275S variant (also known as c.824T>C), located in coding exon 5 of the MECOM gene, results from a T to C substitution at nucleotide position 824. The leucine at codon 275 is replaced by serine, an amino acid with dissimilar properties. This amino acid position is conserved. In addition, this alteration is predicted to be tolerated by in silico analysis. Based on the available evidence, the clinical significance of this variant remains unclear.